The following is an entry in ClinVar:

NM_000465.4(BARD1):c.2058T>C (p.His686=)

Gene: BARD1 (BRCA1 associated RING domain 1; minus strand). Cytogenetic location: 2q35.
Variant type: single nucleotide variant.
Coding change: c.2058T>C on transcript NM_000465.4 (MANE Select); coding-DNA position 2058, T replaced by C.
Protein change: p.His686=; no amino-acid change (histidine 686 retained).
Molecular consequence: synonymous variant. On other transcripts: non-coding transcript variant (3).
Genome position (GRCh38, 1-based): chr2:214,728,952, A>G on the plus strand (T>C on the coding strand, the complement: BARD1 is on the minus strand). VCF-style: chr2-214728952-A-G. GRCh37 (hg19) VCF-style: chr2-215593676-A-G.
Other names: c.2001T>C, p.His667= (NM_001282543.2); c.705T>C, p.His235= (NM_001282545.2); c.648T>C, p.His216= (NM_001282548.2); c.519T>C, p.His173= (NM_001282549.2).
Identifiers: ClinVar variation 3378844 (VCV003378844.1).
Genomic context (GRCh38, chr2:214,728,952, plus strand): 5'-CTTTCTACTGAGGATCTGGCCCCCACCTGCAGTGACGAGCTTAATAAGGTTGTCCTTTGG[A>G]TGGTGTTTGAAGGTTCCCCACAAATAGAAGTAGCATCCATCAAACAGCTTTGGCAACTGA-3'
Protein context (NP_000456.2, residues 676-696): YFYLWGTFKH[His686=]PKDNLIKLVT

ClinVar aggregate classification (germline): Benign (1 of 4 stars; one submission).

Conditions:
Familial cancer of breast. Also called: hereditary breast carcinoma; Hereditary breast cancer; BREAST CANCER, FAMILIAL. Identifiers: Orphanet 227535, MedGen C0346153, MONDO:0016419, OMIM 114480. Disease mechanism: loss of function.

Submission:

Myriad Genetics, Inc.
Classification: Benign for Familial cancer of breast. Last evaluated: 2024-07-29. Review status: criteria provided, single submitter. Criteria: Myriad Autosomal Dominant, Autosomal Recessive and X-Linked Classification Criteria (2023). Collection method: clinical testing. Allele origin: unknown.
Comment: This variant is considered benign. This variant is a silent/synonymous amino acid change and it is not expected to impact splicing.